The following is an entry in ClinVar:

ClinVar aggregate classification (germline): Uncertain significance (1 of 4 stars; one submission).

Conditions:
ALMS1-related disorder. Also called: ALMS1-related condition.

Submission:

PreventionGenetics, part of Exact Sciences
Classification: Uncertain significance for ALMS1-related condition. Last evaluated: 2023-12-31. Review status: criteria provided, single submitter. Criteria: ACMG Guidelines, 2015. Collection method: clinical testing. Allele origin: germline.
Comment: The ALMS1 c.9655A>G variant is predicted to result in the amino acid substitution p.Ile3219Val. To our knowledge, this variant has not been reported in the literature. This variant is reported in 0.0029% of alleles in individuals of Latino descent in gnomAD. At this time, the clinical significance of this variant is uncertain due to the absence of conclusive functional and genetic evidence.

NM_001378454.1(ALMS1):c.9652A>G (p.Ile3218Val)

Gene: ALMS1 (ALMS1 centrosome and basal body associated protein; plus strand). Cytogenetic location: 2p13.1.
Variant type: single nucleotide variant.
Coding change: c.9652A>G on transcript NM_001378454.1 (MANE Select); coding-DNA position 9652, A replaced by G.
Protein change: p.Ile3218Val; replaces isoleucine 3218 with valine.
Molecular consequence: missense variant.
Genome position (GRCh38, 1-based): chr2:73,519,887, A>G. VCF-style: chr2-73519887-A-G. GRCh37 (hg19) VCF-style: chr2-73747014-A-G.
Other names: c.9655A>G, p.Ile3219Val (NM_015120.4); short protein forms I3218V, I3219V.
Identifiers: ClinVar variation 3044528 (VCV003044528.1), dbSNP rs771768835, ClinGen allele CA347281194.